The following is an entry in ClinVar:

ClinVar aggregate classification (germline): Uncertain significance (0 of 4 stars; one submission).

Conditions:
CSF1R-related disorder. Also called: CSF1R-related condition. Identifiers: MedGen CN379780, MONDO:0100632.

gnomAD v4.1: 1 of 1,613,404 alleles (0.000062%); highest among the groups gnomAD compares: Non-Finnish European, 0.000085%; no homozygotes.

Submission:

PreventionGenetics, part of Exact Sciences
Classification: Uncertain significance for CSF1R-related condition. Last evaluated: 2024-06-18. Review status: no assertion criteria provided. Collection method: clinical testing. Allele origin: germline.
Comment: The CSF1R c.1078T>C variant is predicted to result in the amino acid substitution p.Tyr360His. To our knowledge, this variant has not been reported in the literature or in a large population database, indicating this variant is rare. At this time, the clinical significance of this variant is uncertain due to the absence of conclusive functional and genetic evidence.

NM_001288705.3(CSF1R):c.1078T>C (p.Tyr360His)

Gene: CSF1R (colony stimulating factor 1 receptor; minus strand). Cytogenetic location: 5q32.
Variant type: single nucleotide variant.
Coding change: c.1078T>C on transcript NM_001288705.3 (MANE Select); coding-DNA position 1078, T replaced by C.
Protein change: p.Tyr360His; replaces tyrosine 360 with histidine.
Molecular consequence: missense variant. On other transcripts: non-coding transcript variant (2).
Genome position (GRCh38, 1-based): chr5:150,073,305, A>G on the plus strand (T>C on the coding strand, the complement: CSF1R is on the minus strand). VCF-style: chr5-150073305-A-G. GRCh37 (hg19) VCF-style: chr5-149452868-A-G.
Other names: c.1078T>C, p.Tyr360His (NM_001349736.2, NM_001375320.1, NM_005211.4); c.634T>C, p.Tyr212His (NM_001375321.1); short protein forms Y212H, Y360H.
Identifiers: ClinVar variation 3350709 (VCV003350709.1).